The following is an entry in ClinVar:

ClinVar aggregate classification (germline): Uncertain significance (1 of 4 stars; one submission).

Submission:

Women's Health and Genetics/Laboratory Corporation of America, LabCorp
Classification: Uncertain significance. Last evaluated: 2025-01-07. Review status: criteria provided, single submitter. Criteria: LabCorp Variant Classification Summary - May 2015. Collection method: clinical testing. Allele origin: germline.
Comment: Variant summary: SLC4A11 c.845G>C (p.Arg282Pro) results in a non-conservative amino acid change in the encoded protein sequence. Five of five in-silico tools predict a damaging effect of the variant on protein function. The variant was absent in 251460 control chromosomes. c.845G>C has been reported in the literature in the heterozygous state in an individual affected with late-onset Fuchs corneal dystrophy (Riazuddin_2010). This report does not provide unequivocal conclusions about association of the variant with Corneal Dystrophy And Perceptive Deafness. At least two publications report experimental evidence evaluating an impact on protein function and found the variant resulted in decreased protein maturation and reduced cell surface localization versus the WT protein (e.g. Riazuddin_2010, Alka_2018). The following publications have been ascertained in the context of this evaluation (PMID: 29327391, 20848555). No submitters have cited clinical-significance assessments for this variant to ClinVar. Based on the evidence outlined above, the variant was classified as VUS-possibly pathogenic.

Literature cited by the submitters: PubMed 29327391; PubMed 20848555.

NM_001174089.2(SLC4A11):c.797G>C (p.Arg266Pro)

Gene: SLC4A11 (solute carrier family 4 member 11; minus strand). Cytogenetic location: 20p13.
Variant type: single nucleotide variant.
Coding change: c.797G>C on transcript NM_001174089.2 (MANE Select); coding-DNA position 797, G replaced by C.
Protein change: p.Arg266Pro; replaces arginine 266 with proline.
Molecular consequence: missense variant. On other transcripts: non-coding transcript variant (3).
Genome position (GRCh38, 1-based): chr20:3,231,481, C>G on the plus strand (G>C on the coding strand, the complement: SLC4A11 is on the minus strand). VCF-style: chr20-3231481-C-G. GRCh37 (hg19) VCF-style: chr20-3212127-C-G.
Other names: c.926G>C, p.Arg309Pro (NM_001174090.2, NM_001400280.1); c.797G>C, p.Arg266Pro (NM_001363745.2); c.740G>C, p.Arg247Pro (NM_001400277.1, NM_001400278.1, NM_001400279.1); c.845G>C, p.Arg282Pro (NM_032034.4); short protein forms R247P, R266P, R282P, R309P.
Identifiers: ClinVar variation 3769236 (VCV003769236.2).
Genomic context (GRCh38, chr20:3,231,481, plus strand): 5'-CTCTGATGCACCAAGGCCTCCTTGAATTCCTCCTCTGTGCGGGTCTCCAGGAGCTTCTGG[C>G]GGAAGGCGATATCCGAGAACATGGTGGCAAACGTGCGCGCCACCTCCATCGCAGTCTTAG-3'
Protein context (NP_001167560.1, residues 256-276): FATMFSDIAF[Arg266Pro]QKLLETRTEE